The following is an entry in ClinVar:

NM_002691.4(POLD1):c.7G>A (p.Gly3Ser)

Gene: POLD1 (DNA polymerase delta 1, catalytic subunit; plus strand). Cytogenetic location: 19q13.33.
Variant type: single nucleotide variant.
Coding change: c.7G>A on transcript NM_002691.4 (MANE Select); coding-DNA position 7, G replaced by A.
Protein change: p.Gly3Ser; replaces glycine 3 with serine.
Molecular consequence: missense variant. On other transcripts: non-coding transcript variant (1).
Genome position (GRCh38, 1-based): chr19:50,398,858, G>A. VCF-style: chr19-50398858-G-A. GRCh37 (hg19) VCF-style: chr19-50902115-G-A.
Other names: c.7G>A, p.Gly3Ser (NM_001256849.1, NM_001308632.1); short protein forms G3S.
Identifiers: ClinVar variation 3726936 (VCV003726936.2).

ClinVar aggregate classification (germline): Uncertain significance (1 of 4 stars; one submission).

Conditions:
POLD1-related polyposis and colorectal cancer syndrome (CRCS10). Also called: Colorectal cancer 10; COLORECTAL CANCER, SUSCEPTIBILITY TO, ON CHROMOSOME 19q; Colorectal cancer, susceptibility to, 10. Identifiers: Orphanet 220460, MedGen C2675481, MONDO:0012953, OMIM 612591.

gnomAD v4.1: 1 of 1,608,220 alleles (0.000062%); highest among the groups gnomAD compares: Non-Finnish European, 0.000085%; no homozygotes.

Submission:

Labcorp Genetics (formerly Invitae), Labcorp
Classification: Uncertain significance for POLD1-related polyposis and colorectal cancer syndrome. Last evaluated: 2025-08-18. Review status: criteria provided, single submitter. Criteria: Invitae Variant Classification Sherloc (09022015). Collection method: clinical testing. Allele origin: germline.
Comment: This sequence change replaces glycine, which is neutral and non-polar, with serine, which is neutral and polar, at codon 3 of the POLD1 protein (p.Gly3Ser). This variant is not present in population databases (gnomAD no frequency). This variant has not been reported in the literature in individuals affected with POLD1-related conditions. ClinVar contains an entry for this variant (Variation ID: 3726936). Experimental studies and prediction algorithms are not available or were not evaluated, and the functional significance of this variant is currently unknown. In summary, the available evidence is currently insufficient to determine the role of this variant in disease. Therefore, it has been classified as a Variant of Uncertain Significance.